The following is an entry in ClinVar:

ClinVar aggregate classification (germline): Uncertain significance. Review status: criteria provided, multiple submitters, no conflicts (2 of 4 stars). 2 submissions from 2 submitters: Uncertain significance (2). Last evaluated 2025-04-17.

Conditions:
Hereditary cancer-predisposing syndrome. Also called: Neoplastic Syndromes, Hereditary; Tumor predisposition; Hereditary Cancer Syndrome; Hereditary neoplastic syndrome. Identifiers: Orphanet 140162, MedGen C0027672, MeSH D009386, MONDO:0015356.
Renal cell carcinoma. Identifiers: Orphanet 217071, MedGen C0007134, MeSH D002292, MONDO:0005086, HP:0005584.

Allele frequency attached by ClinVar (database versions not stated): gnomAD exomes below 0.00001.
gnomAD v4.1: 1 of 1,613,954 alleles (0.000062%); highest among the groups gnomAD compares: Non-Finnish European, 0.000085%; no homozygotes.

Submissions (2):

Ambry Genetics
Classification: Uncertain significance for Hereditary cancer-predisposing syndrome. Last evaluated: 2025-04-17. Review status: criteria provided, single submitter. Criteria: Ambry Variant Classification Scheme 2023. Collection method: clinical testing. Allele origin: germline.
Comment: The p.T579I variant (also known as c.1736C>T), located in coding exon 5 of the MET gene, results from a C to T substitution at nucleotide position 1736. The threonine at codon 579 is replaced by isoleucine, an amino acid with similar properties. This amino acid position is conserved. In addition, this alteration is predicted to be deleterious by in silico analysis. Based on the available evidence, the clinical significance of this variant remains unclear.

Labcorp Genetics (formerly Invitae), Labcorp
Classification: Uncertain significance for Renal cell carcinoma. Last evaluated: 2023-07-14. Review status: criteria provided, single submitter. Criteria: Invitae Variant Classification Sherloc (09022015). Collection method: clinical testing. Allele origin: germline.
Comment: In summary, the available evidence is currently insufficient to determine the role of this variant in disease. Therefore, it has been classified as a Variant of Uncertain Significance. Advanced modeling of protein sequence and biophysical properties (such as structural, functional, and spatial information, amino acid conservation, physicochemical variation, residue mobility, and thermodynamic stability) performed at Invitae indicates that this missense variant is expected to disrupt MET protein function. This variant has not been reported in the literature in individuals affected with MET-related conditions. This variant is not present in population databases (gnomAD no frequency). This sequence change replaces threonine, which is neutral and polar, with isoleucine, which is neutral and non-polar, at codon 579 of the MET protein (p.Thr579Ile).

NM_000245.4(MET):c.1736C>T (p.Thr579Ile)

Gene: MET (MET proto-oncogene, receptor tyrosine kinase; plus strand). Cytogenetic location: 7q31.2.
Variant type: single nucleotide variant.
Coding change: c.1736C>T on transcript NM_000245.4 (MANE Select); coding-DNA position 1736, C replaced by T.
Protein change: p.Thr579Ile; replaces threonine 579 with isoleucine.
Molecular consequence: missense variant.
Genome position (GRCh38, 1-based): chr7:116,755,389, C>T. VCF-style: chr7-116755389-C-T. GRCh37 (hg19) VCF-style: chr7-116395443-C-T.
Other names: c.1736C>T, p.Thr579Ile (NM_001127500.3, NM_001324401.3); c.446C>T, p.Thr149Ile (NM_001324402.2); short protein forms T579I, T149I.
Identifiers: ClinVar variation 2828621 (VCV002828621.4), dbSNP rs2116909140, ClinGen allele CA368977677.